The following is an entry in ClinVar:

NM_001128840.3(CACNA1D):c.669C>T (p.Gly223=)

Gene: CACNA1D (calcium voltage-gated channel subunit alpha1 D; plus strand). Cytogenetic location: 3p21.1.
Variant type: single nucleotide variant.
Coding change: c.669C>T on transcript NM_001128840.3 (MANE Select); coding-DNA position 669, C replaced by T.
Protein change: p.Gly223=; no amino-acid change (glycine 223 retained).
Molecular consequence: synonymous variant.
Genome position (GRCh38, 1-based): chr3:53,660,178, C>T. VCF-style: chr3-53660178-C-T. GRCh37 (hg19) VCF-style: chr3-53694205-C-T.
Other names: c.669C>T (NM_000720.3); c.669C>T, p.Gly223= (NM_000720.4, NM_001128839.3).
Identifiers: ClinVar variation 1505628 (VCV001505628.8), dbSNP rs756461282, ClinGen allele CA2453732.
Genomic context (GRCh38, chr3:53,660,178, plus strand): 5'-TTTCTCTTCTTTCAGATTGTTTAGTGTAATTTTGGAACAATTAACCAAAGAAACAGAAGG[C>T]GGGAACCACTCAAGCGGCAAATCTGGAGGCTTTGATGTCAAAGCCCTCCGTGCCTTTCGA-3'
Protein context (NP_001122312.1, residues 213-233): ILEQLTKETE[Gly223=]GNHSSGKSGG

ClinVar aggregate classification (germline): Likely benign. Review status: criteria provided, multiple submitters, no conflicts (2 of 4 stars). 3 submissions from 3 submitters: Likely benign (3). Last evaluated 2026-05-31.

Conditions:
CACNA1D-related disorder.

Allele frequency attached by ClinVar (database versions not stated): gnomAD 0.00001; gnomAD exomes 0.00001; ExAC 0.00002; TOPMed 0.00002.
gnomAD v4.1: 22 of 1,613,596 alleles (0.0014%); highest among the groups gnomAD compares: Middle Eastern, 0.049%; 2 homozygotes.

Submissions (3):

PreventionGenetics, part of Exact Sciences
Classification: Likely benign for CACNA1D-related condition. Last evaluated: 2026-05-31. Review status: criteria provided, single submitter. Criteria: ACMG Guidelines, 2015. Collection method: clinical testing. Allele origin: germline.
Comment: This variant is classified as likely benign based on ACMG/AMP sequence variant interpretation guidelines (Richards et al. 2015 PMID: 25741868, with internal and published modifications).

Labcorp Genetics (formerly Invitae), Labcorp
Classification: Likely benign. Last evaluated: 2025-01-06. Review status: criteria provided, single submitter. Criteria: Invitae Variant Classification Sherloc (09022015). Collection method: clinical testing. Allele origin: germline.

Blueprint Genetics
Classification: Likely benign. Last evaluated: 2024-04-09. Review status: criteria provided, single submitter. Criteria: ACMG Guidelines, 2015. Collection method: clinical testing. Allele origin: germline.